The following is an entry in ClinVar:

NM_018993.4(RIN2):c.1004C>G (p.Pro335Arg)

Gene: RIN2 (Ras and Rab interactor 2; plus strand). Cytogenetic location: 20p11.23.
Variant type: single nucleotide variant.
Coding change: c.1004C>G on transcript NM_018993.4 (MANE Select); coding-DNA position 1004, C replaced by G.
Protein change: p.Pro335Arg; replaces proline 335 with arginine.
Molecular consequence: missense variant.
Genome position (GRCh38, 1-based): chr20:19,975,029, C>G. VCF-style: chr20-19975029-C-G. GRCh37 (hg19) VCF-style: chr20-19955673-C-G.
Other names: c.1151C>G, p.Pro384Arg (NM_001242581.2); c.386C>G, p.Pro129Arg (NM_001378238.1); short protein forms P335R, P384R, P129R.
Identifiers: ClinVar variation 436539 (VCV000436539.26), dbSNP rs200780805, ClinGen allele CA9779990.
Genomic context (GRCh38, chr20:19,975,029, plus strand): 5'-CTATTAATAGTCTCCACACAAGCCCTCGGCTGGCCAGGACTGAAACCCAGACGAGCATGC[C>G]AGAAACAGTCAACCATAACAAACATGGGAACGTAGCTCTGCCTGGAACGAAACCAACTCC-3'
Protein context (NP_061866.1, residues 325-345): LARTETQTSM[Pro335Arg]ETVNHNKHGN

ClinVar aggregate classification (germline): Conflicting classifications of pathogenicity. Review status: criteria provided, conflicting classifications (1 of 4 stars). 7 submissions from 7 submitters: Uncertain significance (2); Likely benign (4). 1 of the submissions does not count toward it. Last evaluated 2026-08-01.

Conditions:
Inborn genetic diseases. Identifiers: MedGen C0950123, MeSH D030342.
RIN2-related disorder. Also called: RIN2-related condition.

Allele frequency attached by ClinVar (database versions not stated): 1000 Genomes Project 0.00080; ESP Exome Variant Server 0.00089; ExAC 0.00090; gnomAD exomes 0.00094; gnomAD 0.00095 and 0.00098; TOPMed 0.00117; 1000 Genomes Project 30x 0.00125.
gnomAD v4.1: 1,838 of 1,613,490 alleles (0.11%); highest among the groups gnomAD compares: Admixed American, 0.26%; 3 homozygotes.

Submissions (7):

CeGaT Center for Human Genetics Tuebingen
Classification: Likely benign. Last evaluated: 2026-08-01. Review status: criteria provided, single submitter. Criteria: CeGaT Center For Human Genetics Tuebingen Variant Classification Criteria Version 2. Collection method: clinical testing. Allele origin: germline. Affected: yes. Observed: 2 variant alleles.
Comment: RIN2: BS2

Labcorp Genetics (formerly Invitae), Labcorp
Classification: Likely benign. Last evaluated: 2026-02-01. Review status: criteria provided, single submitter. Criteria: Invitae Variant Classification Sherloc (09022015). Collection method: clinical testing. Allele origin: germline.

Blueprint Genetics
Classification: Likely benign. Last evaluated: 2024-10-21. Review status: criteria provided, single submitter. Criteria: ACMG Guidelines, 2015. Collection method: clinical testing. Allele origin: germline.

Ambry Genetics
Classification: Uncertain significance for Inborn genetic diseases. Last evaluated: 2021-10-05. Review status: criteria provided, single submitter. Criteria: Ambry Variant Classification Scheme 2023. Collection method: clinical testing. Allele origin: germline.

GeneDx
Classification: Likely benign. Last evaluated: 2021-01-13. Review status: criteria provided, single submitter. Criteria: GeneDx Variant Classification Process June 2021. Collection method: clinical testing. Allele origin: germline. Affected: yes.

Genetic Services Laboratory, University of Chicago
Classification: Uncertain significance. Last evaluated: 2016-11-23. Review status: criteria provided, single submitter. Criteria: ACMG Guidelines, 2015. Collection method: clinical testing. Allele origin: germline. Affected: no.

PreventionGenetics, part of Exact Sciences
Classification: Likely benign for RIN2-related condition. Last evaluated: 2022-12-09. Review status: no assertion criteria provided. Collection method: clinical testing. Allele origin: germline. Not counted in ClinVar's aggregate classification.
Comment: This variant is classified as likely benign based on ACMG/AMP sequence variant interpretation guidelines (Richards et al. 2015 PMID: 25741868, with internal and published modifications).